The following is an entry in ClinVar:

ClinVar aggregate classification (germline): Uncertain significance. Review status: criteria provided, single submitter (1 of 4 stars). 2 submissions from 2 submitters: Uncertain significance (1). 1 of the submissions does not count toward it. Last evaluated 2025-02-28.

Conditions:
TRAF6-related disorder. Also called: TRAF6-related condition.

gnomAD v4.1: 22 of 1,598,084 alleles (0.0014%); highest among the groups gnomAD compares: African/African-American, 0.027%; no homozygotes.

Submissions (2):

Ambry Genetics
Classification: Uncertain significance. Last evaluated: 2025-02-28. Review status: criteria provided, single submitter. Criteria: Ambry Variant Classification Scheme 2023. Collection method: clinical testing. Allele origin: germline.

PreventionGenetics, part of Exact Sciences
Classification: Uncertain significance for TRAF6-related condition. Last evaluated: 2024-07-23. Review status: no assertion criteria provided. Collection method: clinical testing. Allele origin: germline. Not counted in ClinVar's aggregate classification.
Comment: The TRAF6 c.609C>G variant is predicted to result in the amino acid substitution p.Ile203Met. To our knowledge, this variant has not been reported in the literature. This variant is reported in 0.016% of alleles in individuals of African descent in gnomAD. At this time, the clinical significance of this variant is uncertain due to the absence of conclusive functional and genetic evidence.

NM_004620.4(TRAF6):c.609C>G (p.Ile203Met)

Gene: TRAF6 (TNF receptor associated factor 6; minus strand). Cytogenetic location: 11p12.
Variant type: single nucleotide variant.
Coding change: c.609C>G on transcript NM_004620.4 (MANE Select); coding-DNA position 609, C replaced by G.
Protein change: p.Ile203Met; replaces isoleucine 203 with methionine.
Molecular consequence: missense variant.
Genome position (GRCh38, 1-based): chr11:36,495,045, G>C on the plus strand (C>G on the coding strand, the complement: TRAF6 is on the minus strand). VCF-style: chr11-36495045-G-C. GRCh37 (hg19) VCF-style: chr11-36516595-G-C.
Other names: c.609C>G, p.Ile203Met (NM_145803.3); short protein forms I203M.
Identifiers: ClinVar variation 3350952 (VCV003350952.2).